The following continues an entry in ClinVar:

NM_000256.3(MYBPC3):c.961G>A (p.Val321Met)

Gene: MYBPC3. ClinVar aggregate classification (germline): Conflicting classifications of pathogenicity. Uncertain significance (10); Likely benign (9).

Submissions 18 to 26 of 26:

Laboratory for Molecular Medicine, Mass General Brigham Personalized Medicine
Classification: Uncertain significance. Last evaluated: 2016-08-04. Review status: criteria provided, single submitter. Criteria: LMM Criteria. Collection method: clinical testing. Allele origin: germline. Observed: 5 variant alleles.
Comment: Variant classified as Uncertain Significance - Favor Benign. The p.Val321Met var iant in MYBPC3 has been identified in 2 individuals with DCM, 6 individuals with HCM, 1 individual with LVNC and 1 individual with TOF (Hoedemaekers 2011, Waldm uller 2011, Maron 2012, Lopes 2013, Miller 2013, LaHaye 2016, LMM unpublished da ta). It has also been identified in 0.1% (36/45024) of European chromosomes by t he Exome Aggregation Consortium (ExAC; dbSNP rs2 00119454). Computational prediction tools and conservation analysis suggest that the variant may impact the protein, though this information is not predictive e nough to determine pathogenicity. In summary, while the clinical significance of the p.Val321Met variant is uncertain, its frequency and the broad spectrum of a ssociated diseases suggest that it is more likely to be benign.

Stanford Center for Inherited Cardiovascular Disease, Stanford University
Classification: Uncertain significance. Last evaluated: 2015-06-23. Review status: criteria provided, single submitter. Criteria: ACMG Guidelines, 2015. Collection method: provider interpretation. Allele origin: germline.

CSER _CC_NCGL, University of Washington
Classification: Uncertain significance for Cardiomyopathy, dilated. Last evaluated: 2014-06-01. Review status: no assertion criteria provided. Collection method: research. Allele origin: germline. Inheritance: Autosomal dominant inheritance. Study: ESP 6500 variant annotation. Not counted in ClinVar's aggregate classification.
Comment: Variants classified for the Actionable exomic incidental findings in 6503 participants: challenges of variant classification manuscript

Clinical Genetics DNA and cytogenetics Diagnostics Lab, Erasmus MC, Erasmus Medical Center
Classification: Likely benign. Review status: no assertion criteria provided. Collection method: clinical testing. Allele origin: germline. Affected: yes. Study: VKGL Data-share Consensus. Not counted in ClinVar's aggregate classification.

Clinical Genetics, Academic Medical Center
Classification: Likely benign. Review status: no assertion criteria provided. Collection method: clinical testing. Allele origin: germline. Affected: yes. Study: VKGL Data-share Consensus. Not counted in ClinVar's aggregate classification.

Diagnostic Laboratory, Department of Genetics, University Medical Center Groningen
Classification: Likely benign. Review status: no assertion criteria provided. Collection method: clinical testing. Allele origin: germline. Affected: yes. Study: VKGL Data-share Consensus. Not counted in ClinVar's aggregate classification.

Genome Diagnostics Laboratory, University Medical Center Utrecht
Classification: Likely benign. Review status: no assertion criteria provided. Collection method: clinical testing. Allele origin: germline. Affected: yes. Study: VKGL Data-share Consensus. Not counted in ClinVar's aggregate classification.

Joint Genome Diagnostic Labs from Nijmegen and Maastricht, Radboudumc and MUMC+
Classification: Likely benign. Review status: no assertion criteria provided. Collection method: clinical testing. Allele origin: germline. Affected: yes. Study: VKGL Data-share Consensus. Not counted in ClinVar's aggregate classification.

Zaffran Lab, Genetics of Cardiac Diseases Laboratory, Marseille Medical Genetics
Classification: Uncertain significance for hypertrophic cardiomyopathy. Review status: no assertion criteria provided. Collection method: research. Allele origin: unknown. Affected: yes. Not counted in ClinVar's aggregate classification.

Literature cited by the submitters: PubMed 23054336 (cited by 3 submitters); PubMed 23396983 (cited by 3 submitters); PubMed 21839045 (cited by 4 submitters); PubMed 23299917 (cited by 3 submitters); PubMed 21750094 (cited by 3 submitters); PubMed 25132132 (cited by Women's Health and Genetics/Laboratory Corporation of America, LabCorp); PubMed 27930701 (cited by Women's Health and Genetics/Laboratory Corporation of America, LabCorp); PubMed 31568572 (cited by Women's Health and Genetics/Laboratory Corporation of America, LabCorp); PubMed 35653365 (cited by Women's Health and Genetics/Laboratory Corporation of America, LabCorp); PubMed 34400558 (cited by Women's Health and Genetics/Laboratory Corporation of America, LabCorp); PubMed 37652022 (cited by Women's Health and Genetics/Laboratory Corporation of America, LabCorp); PubMed 25637381 (cited by Ambry Genetics and Laboratory for Molecular Medicine, Mass General Brigham Personalized Medicine); PubMed 27153395 (cited by Ambry Genetics); PubMed 27418595 (cited by Ambry Genetics and Laboratory for Molecular Medicine, Mass General Brigham Personalized Medicine); PubMed 27896284 (cited by Ambry Genetics); PubMed 28518168 (cited by Ambry Genetics); PubMed 28807990 (cited by Ambry Genetics); PubMed 29914921 (cited by Ambry Genetics); PubMed 31219556 (cited by Ambry Genetics); PubMed 31737537 (cited by Ambry Genetics); PubMed 32250699 (cited by Ambry Genetics); PubMed 34389451 (cited by Ambry Genetics).